The following is an entry in ClinVar:

ClinVar aggregate classification (germline): Conflicting classifications of pathogenicity. Review status: criteria provided, conflicting classifications (1 of 4 stars). 3 submissions from 3 submitters: Uncertain significance (1); Benign (1); Likely benign (1). Last evaluated 2024-05-23.

Conditions:
Microcephaly, normal intelligence and immunodeficiency (NBS). Also called: BERLIN BREAKAGE SYNDROME; SEEMANOVA SYNDROME II; Ataxia telangiectasia variant V1; IMMUNODEFICIENCY, MICROCEPHALY, AND CHROMOSOMAL INSTABILITY; Immunodeficiency, microcephaly with normal intelligence; Nijmegen breakage syndrome. Identifiers: Orphanet 647, MedGen C0398791, MONDO:0009623, OMIM 251260.
Hereditary cancer-predisposing syndrome. Also called: Hereditary neoplastic syndrome; Tumor predisposition; Hereditary Cancer Syndrome; Neoplastic Syndromes, Hereditary. Identifiers: Orphanet 140162, MedGen C0027672, MeSH D009386, MONDO:0015356.
Ovarian cancer. Also called: OVARIAN CANCER, SOMATIC. Identifiers: Orphanet 213500, MedGen C1140680, MONDO:0008170, OMIM 167000.

Allele frequency attached by ClinVar (database versions not stated): gnomAD exomes below 0.00001.
gnomAD v4.1: 3 of 1,613,524 alleles (0.00019%); highest among the groups gnomAD compares: Middle Eastern, 0.017%; no homozygotes.

Submissions (3):

Ambry Genetics
Classification: Likely benign for Hereditary cancer-predisposing syndrome. Last evaluated: 2024-05-23. Review status: criteria provided, single submitter. Criteria: Ambry Variant Classification Scheme 2023. Collection method: clinical testing. Allele origin: germline.

Labcorp Genetics (formerly Invitae), Labcorp
Classification: Uncertain significance for Microcephaly, normal intelligence and immunodeficiency. Last evaluated: 2024-05-22. Review status: criteria provided, single submitter. Criteria: Invitae Variant Classification Sherloc (09022015). Collection method: clinical testing. Allele origin: germline.
Comment: This sequence change replaces lysine, which is basic and polar, with glutamic acid, which is acidic and polar, at codon 385 of the NBN protein (p.Lys385Glu). This variant is not present in population databases (gnomAD no frequency). This variant has not been reported in the literature in individuals affected with NBN-related conditions. ClinVar contains an entry for this variant (Variation ID: 580659). Algorithms developed to predict the effect of missense changes on protein structure and function output the following: SIFT: "Not Available"; PolyPhen-2: "Benign"; Align-GVGD: "Not Available". The glutamic acid amino acid residue is found in multiple mammalian species, which suggests that this missense change does not adversely affect protein function. In summary, the available evidence is currently insufficient to determine the role of this variant in disease. Therefore, it has been classified as a Variant of Uncertain Significance.

Laboratory of Molecular Epidemiology of Birth Defects, West China Second University Hospital, Sichuan University
Classification: Benign for Ovarian cancer. Last evaluated: 2022-01-01. Review status: criteria provided, single submitter. Criteria: ACMG Guidelines, 2015. Collection method: clinical testing. Allele origin: germline. Affected: yes.

NM_002485.5(NBN):c.1153A>G (p.Lys385Glu)

Gene: NBN (nibrin; minus strand). Cytogenetic location: 8q21.3.
Variant type: single nucleotide variant.
Coding change: c.1153A>G on transcript NM_002485.5 (MANE Select); coding-DNA position 1153, A replaced by G.
Protein change: p.Lys385Glu; replaces lysine 385 with glutamic acid.
Molecular consequence: missense variant.
Genome position (GRCh38, 1-based): chr8:89,955,527, T>C on the plus strand (A>G on the coding strand, the complement: NBN is on the minus strand). VCF-style: chr8-89955527-T-C. GRCh37 (hg19) VCF-style: chr8-90967755-T-C.
Other names: c.907A>G, p.Lys303Glu (NM_001024688.3); short protein forms K385E, K303E.
Identifiers: ClinVar variation 580659 (VCV000580659.10), dbSNP rs1563532612, ClinGen allele CA371656478.